The following is an entry in ClinVar:

NM_000048.4(ASL):c.243_247del (p.Asn82fs)

Gene: ASL (argininosuccinate lyase; plus strand). Cytogenetic location: 7q11.21.
Variant type: Deletion.
Coding change: c.243_247del on transcript NM_000048.4 (MANE Select); coding-DNA positions 243 to 247, 5 bases deleted (GAACT; older notation c.243_247delGAACT).
Protein change: p.Asn82fs; shifts the reading frame from asparagine 82.
Molecular consequence: frameshift variant.
Genome position (GRCh38, 1-based): chr7:66,082,403-66,082,407, GAACT deleted; deleting any 5 consecutive bases within chr7:66,082,399-66,082,407 gives the same sequence; the c. name uses the placement nearest the transcript's 3' end. VCF-style (leftmost placement, unchanged base first): chr7-66082398-AAACTG-A. GRCh37 (hg19) VCF-style: chr7-65547385-AAACTG-A.
Other names: c.243_247del, p.Asn82fs (NM_001024943.2, NM_001024944.2, NM_001024946.2); short protein forms N82fs.
Identifiers: ClinVar variation 5015951 (VCV005015951.1).
Genomic context (GRCh38, chr7:66,082,398, plus strand): 5'-TGACCCCGGCATTGCTGCTACCCACTACAGGTGGCTGAGGAGTGGGCCCAGGGCACCTTC[AAACTG>A]AACTCCAATGATGAGGACATCCACACAGCCAATGAGCGCCGCCTGAAGGTACGACCCCTG-3'

ClinVar aggregate classification (germline): Pathogenic (1 of 4 stars; one submission).

Conditions:
Argininosuccinate lyase deficiency. Also called: ARGININOSUCCINIC ACID LYASE DEFICIENCY; ASL DEFICIENCY; Argininosuccinic aciduria. Identifiers: Orphanet 23, MedGen C0268547, MONDO:0008815, OMIM 207900, HP:0025630.

Submission:

Myriad Genetics, Inc.
Classification: Pathogenic for Argininosuccinate lyase deficiency. Last evaluated: 2026-05-24. Review status: criteria provided, single submitter. Criteria: Myriad Autosomal Dominant, Autosomal Recessive and X-Linked Classification Criteria (2023). Collection method: clinical testing. Allele origin: unknown.
Comment: NM_001024943.1(ASL):c.243_247del5(N82Qfs*2) is expected to be pathogenic in the context of argininosuccinic aciduria. This variant is predicted to lead to an abnormal or absent protein product due to the creation of a premature termination codon in ASL, a gene where loss-of-function variants are known to be pathogenic. Please note: this variant was assessed in the context of healthy population screening.